The following is an entry in ClinVar:

ClinVar aggregate classification (germline): Uncertain significance (1 of 4 stars; one submission).

Conditions:
Cobalamin C disease. Also called: Methylmalonic aciduria and homocystinuria, Vitamin B12-responsive; Vitamin B12 metabolic defect with combined deficiency of methylmalonyl-CoA mutase and homocysteine:methyltetrahydrofolate methyltransferase; methylmalonic aciduria and homocystinuria type cblC; Cobalamin-C methylmalonic acidemia and homocystinuria; Methylmalonic acidemia and homocystinuria cblC type; Methylmalonic aciduria with homocystinuria cblC type. Identifiers: Orphanet 26, Orphanet 79282, MedGen C1848561, MONDO:0010184, OMIM 277400.

gnomAD v4.1: 1 of 1,614,156 alleles (0.000062%); highest among the groups gnomAD compares: African/African-American, 0.0013%; no homozygotes.

Submission:

Labcorp Genetics (formerly Invitae), Labcorp
Classification: Uncertain significance for Cobalamin C disease. Last evaluated: 2022-09-27. Review status: criteria provided, single submitter. Criteria: Invitae Variant Classification Sherloc (09022015). Collection method: clinical testing. Allele origin: germline.
Comment: This variant has not been reported in the literature in individuals affected with MMACHC-related conditions. ClinVar contains an entry for this variant (Variation ID: 1474742). Algorithms developed to predict the effect of missense changes on protein structure and function (SIFT, PolyPhen-2, Align-GVGD) all suggest that this variant is likely to be tolerated. In summary, the available evidence is currently insufficient to determine the role of this variant in disease. Therefore, it has been classified as a Variant of Uncertain Significance. This variant is present in population databases (rs772225967, gnomAD 0.007%). This sequence change replaces methionine, which is neutral and non-polar, with isoleucine, which is neutral and non-polar, at codon 74 of the MMACHC protein (p.Met74Ile).

NM_015506.3(MMACHC):c.222G>T (p.Met74Ile)

Gene: MMACHC (metabolism of cobalamin associated C; plus strand). Cytogenetic location: 1p34.1.
Variant type: single nucleotide variant.
Coding change: c.222G>T on transcript NM_015506.3 (MANE Select); coding-DNA position 222, G replaced by T.
Protein change: p.Met74Ile; replaces methionine 74 with isoleucine.
Molecular consequence: missense variant.
Genome position (GRCh38, 1-based): chr1:45,507,496, G>T. VCF-style: chr1-45507496-G-T. GRCh37 (hg19) VCF-style: chr1-45973168-G-T.
Other names: c.51G>T, p.Met17Ile (NM_001330540.2); short protein forms M17I, M74I.
Identifiers: ClinVar variation 1474742 (VCV001474742.8), dbSNP rs772225967, ClinGen allele CA827667.